The following is an entry in ClinVar:

ClinVar aggregate classification (germline): Uncertain significance (1 of 4 stars; one submission).

Conditions:
Hereditary sensory and autonomic neuropathy with spastic paraplegia (HSNSP). Identifiers: Orphanet 139578, MedGen C1850395, MONDO:0009748, OMIM 256840.

Submission:

Labcorp Genetics (formerly Invitae), Labcorp
Classification: Uncertain significance for Hereditary sensory and autonomic neuropathy with spastic paraplegia. Last evaluated: 2024-02-20. Review status: criteria provided, single submitter. Criteria: Invitae Variant Classification Sherloc (09022015). Collection method: clinical testing. Allele origin: germline.
Comment: This sequence change replaces threonine, which is neutral and polar, with isoleucine, which is neutral and non-polar, at codon 521 of the CCT5 protein (p.Thr521Ile). This variant is not present in population databases (gnomAD no frequency). This variant has not been reported in the literature in individuals affected with CCT5-related conditions. Advanced modeling of protein sequence and biophysical properties (such as structural, functional, and spatial information, amino acid conservation, physicochemical variation, residue mobility, and thermodynamic stability) performed at Invitae indicates that this missense variant is not expected to disrupt CCT5 protein function with a negative predictive value of 80%. In summary, the available evidence is currently insufficient to determine the role of this variant in disease. Therefore, it has been classified as a Variant of Uncertain Significance.

NM_012073.5(CCT5):c.1562C>T (p.Thr521Ile)

Gene: CCT5 (chaperonin containing TCP1 subunit 5; plus strand). Cytogenetic location: 5p15.2.
Variant type: single nucleotide variant.
Coding change: c.1562C>T on transcript NM_012073.5 (MANE Select); coding-DNA position 1562, C replaced by T.
Protein change: p.Thr521Ile; replaces threonine 521 with isoleucine.
Molecular consequence: missense variant.
Genome position (GRCh38, 1-based): chr5:10,264,719, C>T. VCF-style: chr5-10264719-C-T. GRCh37 (hg19) VCF-style: chr5-10264831-C-T.
Other names: c.1448C>T, p.Thr483Ile (NM_001306156.2); c.1499C>T, p.Thr500Ile (NM_001306153.1); c.1397C>T, p.Thr466Ile (NM_001306154.2); c.1283C>T, p.Thr428Ile (NM_001306155.2); short protein forms T428I, T466I, T500I, T521I, T483I.
Identifiers: ClinVar variation 3642170 (VCV003642170.2).